The following is an entry in ClinVar:

ClinVar aggregate classification (germline): Uncertain significance. Review status: criteria provided, multiple submitters, no conflicts (2 of 4 stars). 3 submissions from 3 submitters: Uncertain significance (3). Last evaluated 2022-04-18.

Conditions:
Long QT syndrome (LQTS). Identifiers: MedGen C0023976, MeSH D008133, MONDO:0002442. Disease mechanism: loss of function. Inheritance: Various modes of inheritance.

Allele frequency attached by ClinVar (database versions not stated): gnomAD exomes below 0.00001.
gnomAD v4.1: 6 of 1,612,544 alleles (0.00037%); highest among the groups gnomAD compares: South Asian, 0.0011%; no homozygotes.

Submissions (3):

Labcorp Genetics (formerly Invitae), Labcorp
Classification: Uncertain significance for Long QT syndrome. Last evaluated: 2022-04-18. Review status: criteria provided, single submitter. Criteria: Invitae Variant Classification Sherloc (09022015). Collection method: clinical testing. Allele origin: germline.
Comment: This sequence change replaces arginine, which is basic and polar, with glutamine, which is neutral and polar, at codon 81 of the CACNA1C protein (p.Arg81Gln). This variant is not present in population databases (gnomAD no frequency). This variant has not been reported in the literature in individuals affected with CACNA1C-related conditions. ClinVar contains an entry for this variant (Variation ID: 190684). Algorithms developed to predict the effect of missense changes on protein structure and function are either unavailable or do not agree on the potential impact of this missense change (SIFT: "Tolerated"; PolyPhen-2: "Probably Damaging"; Align-GVGD: "Class C0"). In summary, the available evidence is currently insufficient to determine the role of this variant in disease. Therefore, it has been classified as a Variant of Uncertain Significance.

Eurofins Ntd Llc (ga)
Classification: Uncertain significance. Last evaluated: 2014-06-23. Review status: criteria provided, single submitter. Criteria: EGL Classification Definitions 2015. Collection method: clinical testing. Allele origin: germline. Observed: 2 variant alleles, 2 heterozygotes.

GeneDx
Classification: Uncertain significance. Last evaluated: 2013-06-04. Review status: criteria provided, single submitter. Criteria: GeneDx Variant Classification (06012015). Collection method: clinical testing. Allele origin: germline. Affected: yes.
Comment: p.Arg81Gln (CGG>CAG): c.242 G>A in exon 2 of the CACNA1C gene (NM_000719.6). The Arg81Gln variant in the CACNA1C gene has not been reported as a disease-causing mutation or as a benign polymorphism to our knowledge. Arg81Gln results in a non-conservative amino acid substitution of a positively charged Arginine with a neutral, polar Glutamine at a position that is conserved across species. In silico analysis predicts Arg81Gln is probably damaging to the protein structure/function. The Arg81Gln variant was not observed in approximately 6,500 individuals of European and African American ancestry in the NHLBI Exome Sequencing Project, indicating it is not a common benign variant in these populations. Nevertheless, no mutation in nearby codons have been reported in association with LQTS, indicating this region of the protein may be tolerant of change. With the clinical and molecular information available at this time, we cannot definitively determine if Arg81Gln is a disease-causing mutation or a rare benign variant. The variant is found in LQT panel(s).

NM_000719.7(CACNA1C):c.242G>A (p.Arg81Gln)

Gene: CACNA1C (calcium voltage-gated channel subunit alpha1 C; plus strand). Cytogenetic location: 12p13.33.
Variant type: single nucleotide variant.
Coding change: c.242G>A on transcript NM_000719.7 (MANE Select); coding-DNA position 242, G replaced by A.
Protein change: p.Arg81Gln; replaces arginine 81 with glutamine.
Molecular consequence: missense variant.
Genome position (GRCh38, 1-based): chr12:2,115,416, G>A. VCF-style: chr12-2115416-G-A. GRCh37 (hg19) VCF-style: chr12-2224582-G-A.
Other names: p.R81Q:CGG>CAG; c.242G>A, p.Arg81Gln (NM_001129827.2, NM_001129829.2, NM_001129830.3 and 19 more transcripts); short protein forms R81Q.
Identifiers: ClinVar variation 190684 (VCV000190684.8), dbSNP rs786205767, ClinGen allele CA301615.